The following is an entry in ClinVar:

NM_000264.5(PTCH1):c.2610A>C (p.Pro870=)

Gene: PTCH1 (patched 1; minus strand). Cytogenetic location: 9q22.32.
Variant type: single nucleotide variant.
Coding change: c.2610A>C on transcript NM_000264.5 (MANE Select); coding-DNA position 2610, A replaced by C.
Protein change: p.Pro870=; no amino-acid change (proline 870 retained).
Molecular consequence: synonymous variant. On other transcripts: non-coding transcript variant (1).
Genome position (GRCh38, 1-based): chr9:95,461,949, T>G on the plus strand (A>C on the coding strand, the complement: PTCH1 is on the minus strand). VCF-style: chr9-95461949-T-G. GRCh37 (hg19) VCF-style: chr9-98224231-T-G.
Other names: c.2412A>C, p.Pro804= (NM_001083602.3); c.2607A>C, p.Pro869= (NM_001083603.3); c.2157A>C, p.Pro719= (NM_001083604.3, NM_001083605.3, NM_001083606.3 and 1 more transcripts); c.2454A>C, p.Pro818= (NM_001354918.2); c.2610A>C (NM_000264.4).
Identifiers: ClinVar variation 220314 (VCV000220314.13), dbSNP rs762087413, ClinGen allele CA349105.

ClinVar aggregate classification (germline): Benign/Likely benign. Review status: criteria provided, multiple submitters, no conflicts (2 of 4 stars). 4 submissions from 4 submitters: Benign (1); Likely benign (3). Last evaluated 2026-08-18.

Conditions:
Hereditary cancer-predisposing syndrome. Also called: Neoplastic Syndromes, Hereditary; Tumor predisposition; Hereditary Cancer Syndrome; Hereditary neoplastic syndrome. Identifiers: Orphanet 140162, MedGen C0027672, MeSH D009386, MONDO:0015356.
Gorlin syndrome. Also called: Nevoid Basal Cell Carcinoma Syndrome; Basal cell nevus syndrome. Identifiers: Orphanet 377, MedGen C0004779, MONDO:0007187.
PTCH1-related disorder. Also called: PTCH1-related disorders; PTCH1-related condition.

Allele frequency attached by ClinVar (database versions not stated): TOPMed below 0.00001; ExAC 0.00001; gnomAD exomes 0.00001 and 0.00002.
gnomAD v4.1: 4 of 1,614,234 alleles (0.00025%); highest among the groups gnomAD compares: Admixed American, 0.0067%; no homozygotes.

Submissions (4):

PreventionGenetics, part of Exact Sciences
Classification: Likely benign for PTCH1-related condition. Last evaluated: 2026-08-18. Review status: criteria provided, single submitter. Criteria: ACMG Guidelines, 2015. Collection method: clinical testing. Allele origin: germline.
Comment: This variant is classified as likely benign based on ACMG/AMP sequence variant interpretation guidelines (Richards et al. 2015 PMID: 25741868, with internal and published modifications).

Quest Diagnostics Nichols Institute San Juan Capistrano
Classification: Benign. Last evaluated: 2025-09-30. Review status: criteria provided, single submitter. Criteria: Quest Diagnostics criteria. Collection method: clinical testing. Allele origin: unknown.

Labcorp Genetics (formerly Invitae), Labcorp
Classification: Likely benign for Gorlin syndrome. Last evaluated: 2025-09-10. Review status: criteria provided, single submitter. Criteria: Invitae Variant Classification Sherloc (09022015). Collection method: clinical testing. Allele origin: germline.

Ambry Genetics
Classification: Likely benign for Hereditary cancer-predisposing syndrome. Last evaluated: 2022-07-07. Review status: criteria provided, single submitter. Criteria: Ambry Variant Classification Scheme 2023. Collection method: clinical testing. Allele origin: germline.